The following is an entry in ClinVar:

NM_001267550.2(TTN):c.85722C>T (p.Pro28574=)

Genes: TTN (titin; minus strand), TTN-AS1 (TTN antisense RNA 1; plus strand). Cytogenetic location: 2q31.2.
Variant type: single nucleotide variant.
Coding change: c.85722C>T on transcript NM_001267550.2 (MANE Select); coding-DNA position 85722, C replaced by T.
Protein change: p.Pro28574=; no amino-acid change (proline 28574 retained).
Molecular consequence: synonymous variant.
Genome position (GRCh38, 1-based): chr2:178,560,410, G>A on the plus strand (C>T on the coding strand, the complement: TTN is on the minus strand). VCF-style: chr2-178560410-G-A. GRCh37 (hg19) VCF-style: chr2-179425137-G-A.
Other names: c.80799C>T, p.Pro26933= (NM_001256850.1); c.58527C>T, p.Pro19509= (NM_003319.4); c.78018C>T, p.Pro26006= (NM_133378.4); c.58902C>T, p.Pro19634= (NM_133432.3); c.59103C>T, p.Pro19701= (NM_133437.4).
Identifiers: ClinVar variation 498927 (VCV000498927.14), dbSNP rs763685410, ClinGen allele CA1988598.

ClinVar aggregate classification (germline): Conflicting classifications of pathogenicity. Review status: criteria provided, conflicting classifications (1 of 4 stars). 3 submissions from 3 submitters: Uncertain significance (1); Likely benign (1). 1 of the submissions does not count toward it. Last evaluated 2025-10-13.

Conditions:
TTN-related disorder. Also called: TTN-related disorders; TTN-related condition; TTN-related disease.
Dilated cardiomyopathy 1G (CMD1G). Identifiers: Orphanet 154, MedGen C1858763, MONDO:0011400, OMIM 604145.
Autosomal recessive limb-girdle muscular dystrophy type 2J (LGMDR10). Also called: MUSCULAR DYSTROPHY, LIMB-GIRDLE, AUTOSOMAL RECESSIVE 10; Limb-girdle muscular dystrophy, type 2J. Identifiers: Orphanet 140922, MedGen C1837342, MONDO:0012127, OMIM 608807.

Allele frequency attached by ClinVar (database versions not stated): gnomAD exomes below 0.00001 and 0.00001; ExAC 0.00001.
gnomAD v4.1: 7 of 1,613,380 alleles (0.00043%); highest among the groups gnomAD compares: African/African-American, 0.004%; no homozygotes.

Submissions (3):

Labcorp Genetics (formerly Invitae), Labcorp
Classification: Likely benign for Dilated cardiomyopathy 1G; Autosomal recessive limb-girdle muscular dystrophy type 2J. Last evaluated: 2025-10-13. Review status: criteria provided, single submitter. Criteria: Invitae Variant Classification Sherloc (09022015). Collection method: clinical testing. Allele origin: germline.

Eurofins Ntd Llc (ga)
Classification: Uncertain significance. Last evaluated: 2016-12-05. Review status: criteria provided, single submitter. Criteria: EGL Classification Definitions 2015. Collection method: clinical testing. Allele origin: germline. Observed: 1 variant allele, 1 heterozygote.

PreventionGenetics, part of Exact Sciences
Classification: Likely benign for TTN-related condition. Last evaluated: 2024-03-04. Review status: no assertion criteria provided. Collection method: clinical testing. Allele origin: germline. Not counted in ClinVar's aggregate classification.
Comment: This variant is classified as likely benign based on ACMG/AMP sequence variant interpretation guidelines (Richards et al. 2015 PMID: 25741868, with internal and published modifications).